The following is an entry in ClinVar:

NM_001365276.2(TNXB):c.9613G>A (p.Gly3205Arg)

Gene: TNXB (tenascin XB; minus strand). Cytogenetic location: 6p21.33.
Variant type: single nucleotide variant.
Coding change: c.9613G>A on transcript NM_001365276.2 (MANE Select); coding-DNA position 9613, G replaced by A.
Protein change: p.Gly3205Arg; replaces glycine 3205 with arginine.
Molecular consequence: missense variant.
Genome position (GRCh38, 1-based): chr6:32,049,414, C>T on the plus strand (G>A on the coding strand, the complement: TNXB is on the minus strand). VCF-style: chr6-32049414-C-T. GRCh37 (hg19) VCF-style: chr6-32017191-C-T.
Other names: c.10354G>A, p.Gly3452Arg (NM_001428335.1); c.9607G>A, p.Gly3203Arg (NM_019105.8); short protein forms G3203R, G3205R, G3452R.
Identifiers: ClinVar variation 4865832 (VCV004865832.1).
Genomic context (GRCh38, chr6:32,049,414, plus strand): 5'-CCAGGCCCCCCACGGTGACCTCGCTCTCCTCGCCCCTGACACGCACCACCTGGGGCTGCC[C>T]GTCCCTGTCCTTGTACTGCACGGTGAAGGAGTCGAAGCGGCCCTGGGGGACGGTCCAGGA-3'
Protein context (NP_001352205.1, residues 3195-3215): SFTVQYKDRD[Gly3205Arg]QPQVVRVRGE

ClinVar aggregate classification (germline): Uncertain significance (1 of 4 stars; one submission).

Conditions:
Cardiovascular phenotype. Identifiers: MedGen CN230736.

gnomAD v4.1: 1 of 1,612,658 alleles (0.000062%); highest among the groups gnomAD compares: East Asian, 0.0022%; no homozygotes.

Submission:

Ambry Genetics
Classification: Uncertain significance for Cardiovascular phenotype. Last evaluated: 2026-05-14. Review status: criteria provided, single submitter. Criteria: Ambry Variant Classification Scheme 2023. Collection method: clinical testing. Allele origin: germline.
Comment: The p.G3203R variant (also known as c.9607G>A), located in coding exon 27 of the TNXB gene, results from a G to A substitution at nucleotide position 9607. The glycine at codon 3203 is replaced by arginine, an amino acid with dissimilar properties. This amino acid position is conserved. In addition, this alteration is predicted to be tolerated by in silico analysis. Based on the available evidence, the clinical significance of this variant remains unclear.